The following is an entry in ClinVar:

NM_001386135.1(AFF3):c.2422A>G (p.Thr808Ala)

Gene: AFF3 (ALF transcription elongation factor 3; minus strand). Cytogenetic location: 2q11.2.
Variant type: single nucleotide variant.
Coding change: c.2422A>G on transcript NM_001386135.1 (MANE Select); coding-DNA position 2422, A replaced by G.
Protein change: p.Thr808Ala; replaces threonine 808 with alanine.
Molecular consequence: missense variant.
Genome position (GRCh38, 1-based): chr2:99,593,239, T>C on the plus strand (A>G on the coding strand, the complement: AFF3 is on the minus strand). VCF-style: chr2-99593239-T-C. GRCh37 (hg19) VCF-style: chr2-100209701-T-C.
Other names: c.2497A>G, p.Thr833Ala (NM_001025108.2); c.2422A>G, p.Thr808Ala (NM_002285.3); short protein forms T808A, T833A.
Identifiers: ClinVar variation 4851754 (VCV004851754.1).

ClinVar aggregate classification (germline): Likely pathogenic (1 of 4 stars; one submission).

Conditions:
KINSSHIP syndrome. Also called: MESOMELIC DYSPLASIA, STEICHEN-GERSDORF TYPE; MESOMELIC DYSPLASIA, AFF3-RELATED. Identifiers: MedGen C5543317, MONDO:0851095, OMIM 619297.

Submission:

Greenwood Genetic Center Diagnostic Laboratories, Greenwood Genetic Center
Classification: Likely pathogenic for KINSSHIP syndrome. Last evaluated: 2025-01-14. Review status: criteria provided, single submitter. Criteria: ACMG Guidelines, 2015. Collection method: clinical testing. Allele origin: germline. Affected: yes.
Comment: PS2, PM2